The following is an entry in ClinVar:

NM_030962.4(SBF2):c.2150C>T (p.Ala717Val)

Genes: SBF2 (SET binding factor 2; minus strand), LOC101928008 (uncharacterized LOC101928008; plus strand). Cytogenetic location: 11p15.4.
Variant type: single nucleotide variant.
Coding change: c.2150C>T on transcript NM_030962.4 (MANE Select); coding-DNA position 2150, C replaced by T.
Protein change: p.Ala717Val; replaces alanine 717 with valine.
Molecular consequence: missense variant.
Genome position (GRCh38, 1-based): chr11:9,856,671, G>A on the plus strand (C>T on the coding strand, the complement: SBF2 is on the minus strand). VCF-style: chr11-9856671-G-A. GRCh37 (hg19) VCF-style: chr11-9878218-G-A.
Other names: c.2150C>T, p.Ala717Val (NM_001386339.1); c.2021C>T, p.Ala674Val (NM_001386342.1); short protein forms A717V, A674V.
Identifiers: ClinVar variation 951524 (VCV000951524.10), dbSNP rs1857337701, ClinGen allele CA379639170.
Genomic context (GRCh38, chr11:9,856,671, plus strand): 5'-TGCACTAGCTCTTGCTGAGTTGACTTGCTCAGGGTAGGCCAAAGGCGTAGTTGCTCAGCT[G>A]CCAGGTCCATTGCTGTCTTCTCCTGATAATGGTCATCAGGAAGCTTATCCTAAAAAATAA-3'
Protein context (NP_112224.1, residues 707-727): HYQEKTAMDL[Ala717Val]AEQLRLWPTL

ClinVar aggregate classification (germline): Uncertain significance (1 of 4 stars; one submission).

Conditions:
Charcot-Marie-Tooth disease type 4. Also called: Charcot-Marie-Tooth disease, type IV; Charcot-Marie-Tooth, Type 4. Identifiers: Orphanet 64749, MedGen C4082197, MONDO:0018995.

Submission:

Labcorp Genetics (formerly Invitae), Labcorp
Classification: Uncertain significance for Charcot-Marie-Tooth disease type 4. Last evaluated: 2019-06-29. Review status: criteria provided, single submitter. Criteria: Invitae Variant Classification Sherloc (09022015). Collection method: clinical testing. Allele origin: germline.
Comment: In summary, the available evidence is currently insufficient to determine the role of this variant in disease. Therefore, it has been classified as a Variant of Uncertain Significance. Algorithms developed to predict the effect of sequence changes on RNA splicing suggest that this variant may create or strengthen a splice site, but this prediction has not been confirmed by published transcriptional studies. Algorithms developed to predict the effect of missense changes on protein structure and function are either unavailable or do not agree on the potential impact of this missense change (SIFT: "Tolerated"; PolyPhen-2: "Probably Damaging"; Align-GVGD: "Class C0"). This variant has not been reported in the literature in individuals with SBF2-related conditions. This variant is not present in population databases (ExAC no frequency). This sequence change replaces alanine with valine at codon 717 of the SBF2 protein (p.Ala717Val). The alanine residue is moderately conserved and there is a small physicochemical difference between alanine and valine.